The following is an entry in ClinVar:

ClinVar aggregate classification (germline): Uncertain significance (1 of 4 stars; one submission).

Conditions:
Long QT syndrome (LQTS). Identifiers: MedGen C0023976, MeSH D008133, MONDO:0002442. Disease mechanism: loss of function. Inheritance: Various modes of inheritance.

Submission:

Dept of Medical Biology, Uskudar University
Classification: Uncertain significance for Long QT syndrome. Last evaluated: 2024-01-08. Review status: criteria provided, single submitter. Criteria: Dept of Medical Biology Variant Classification. Collection method: research. Allele origin: paternal. Affected: yes. Observed: 1 variant allele.
Comment: Criteria: PM2, BP4

NM_000334.4(SCN4A):c.5434C>T (p.Pro1812Ser)

Genes: GH-LCR (growth hormone locus control region; plus strand), SCN4A (sodium voltage-gated channel alpha subunit 4; minus strand). Cytogenetic location: 17q23.3.
Variant type: single nucleotide variant.
Coding change: c.5434C>T on transcript NM_000334.4 (MANE Select); coding-DNA position 5434, C replaced by T.
Protein change: p.Pro1812Ser; replaces proline 1812 with serine.
Molecular consequence: missense variant.
Genome position (GRCh38, 1-based): chr17:63,940,848, G>A on the plus strand (C>T on the coding strand, the complement: SCN4A is on the minus strand). VCF-style: chr17-63940848-G-A. GRCh37 (hg19) VCF-style: chr17-62018208-G-A.
Other names: short protein forms P1812S.
Identifiers: ClinVar variation 2574020 (VCV002574020.3), dbSNP rs2509282474, ClinGen allele CA400610277.